The following is an entry in ClinVar:

ClinVar aggregate classification (germline): Uncertain significance (1 of 4 stars; one submission).

Conditions:
Hypertrophic cardiomyopathy. Also called: HYPERTROPHIC MYOCARDIOPATHY. Identifiers: Orphanet 217569, MedGen C0007194, MeSH D002312, MONDO:0005045, HP:0001639.

Submission:

Labcorp Genetics (formerly Invitae), Labcorp
Classification: Uncertain significance for Hypertrophic cardiomyopathy. Last evaluated: 2024-09-23. Review status: criteria provided, single submitter. Criteria: Invitae Variant Classification Sherloc (09022015). Collection method: clinical testing. Allele origin: germline.
Comment: This sequence change replaces glutamic acid, which is acidic and polar, with glycine, which is neutral and non-polar, at codon 1117 of the MYBPC3 protein (p.Glu1117Gly). This variant is not present in population databases (gnomAD no frequency). This variant has not been reported in the literature in individuals affected with MYBPC3-related conditions. An algorithm developed to predict the effect of missense changes on protein structure and function (PolyPhen-2) suggests that this variant is likely to be disruptive. In summary, the available evidence is currently insufficient to determine the role of this variant in disease. Therefore, it has been classified as a Variant of Uncertain Significance.

NM_000256.3(MYBPC3):c.3350A>G (p.Glu1117Gly)

Gene: MYBPC3 (myosin binding protein C3; minus strand). Cytogenetic location: 11p11.2.
Variant type: single nucleotide variant.
Coding change: c.3350A>G on transcript NM_000256.3 (MANE Select); coding-DNA position 3350, A replaced by G.
Protein change: p.Glu1117Gly; replaces glutamic acid 1117 with glycine.
Molecular consequence: missense variant.
Genome position (GRCh38, 1-based): chr11:47,332,954, T>C on the plus strand (A>G on the coding strand, the complement: MYBPC3 is on the minus strand). VCF-style: chr11-47332954-T-C. GRCh37 (hg19) VCF-style: chr11-47354505-T-C.
Other names: short protein forms E1117G.
Identifiers: ClinVar variation 3655246 (VCV003655246.2).
Genomic context (GRCh38, chr11:47,332,954, plus strand): 5'-AAGTAGTAGCCATTGCCAATGATGAGCTCTGGCACCACGCAGTGGGTGCGGCGGTAATGC[T>C]CCAAGACGGTGAACCACTCCTGGGGGCAGGGAGGGAGGGGAGGCATCTCTGGGCCAGGCC-3'
Protein context (NP_000247.2, residues 1107-1127): KKTMEWFTVL[Glu1117Gly]HYRRTHCVVP